The following is an entry in ClinVar:

ClinVar aggregate classification (germline): Benign. Review status: criteria provided, multiple submitters, no conflicts (2 of 4 stars). 12 submissions from 8 submitters: Benign (11). 1 of the submissions does not count toward it. Last evaluated 2026-02-03.

Conditions:
Congenital myasthenic syndrome 16. Identifiers: Orphanet 590, MedGen C3280112, MONDO:0013620, OMIM 614198.
Paramyotonia congenita of Von Eulenburg. Also called: PARALYSIS PERIODICA PARAMYOTONICA; Paramyotonia Congenita; Eulenburg disease; Myotonia congenita intermittens; Von Eulenburg paramyotonia congenita. Identifiers: Orphanet 684, MedGen C0221055, MONDO:0008195, OMIM 168300. Disease mechanism: loss of function.
Hypokalemic periodic paralysis, type 2 (HOKPP2). Identifiers: Orphanet 681, MedGen C2750061, MONDO:0013234, OMIM 613345.
Potassium-aggravated myotonia. Also called: MYOTONIA CONGENITA, ACETAZOLAMIDE-RESPONSIVE; MYOTONIA CONGENITA, ATYPICAL; SODIUM CHANNEL MUSCLE DISEASE; Myotonia congenita, atypical, acetazolamide-responsive. Identifiers: Orphanet 612, Orphanet 99734, Orphanet 99735, Orphanet 99736, MedGen C2931826, MONDO:0018959, OMIM 608390.
Hyperkalemic periodic paralysis. Also called: Familial hyperkalemic periodic paralysis; Gamstorp disease. Identifiers: Orphanet 682, MedGen C0238357, MONDO:0008224, OMIM 170500, HP:0007215.

Allele frequency attached by ClinVar (database versions not stated): ESP Exome Variant Server 0.01469; 1000 Genomes Project 30x 0.01827; gnomAD 0.01359 and 0.01447; gnomAD exomes 0.01705; ExAC 0.01722; 1000 Genomes Project 0.01857; TOPMed 0.01412.
gnomAD v4.1: 26,327 of 1,613,184 alleles (1.6%); highest among the groups gnomAD compares: Middle Eastern, 3.6%; 255 homozygotes.

Submissions (12):

Labcorp Genetics (formerly Invitae), Labcorp
Classification: Benign for Hyperkalemic periodic paralysis. Last evaluated: 2026-02-03. Review status: criteria provided, single submitter. Criteria: Invitae Variant Classification Sherloc (09022015). Collection method: clinical testing. Allele origin: germline.

Athena Diagnostics
Classification: Benign. Last evaluated: 2025-08-15. Review status: criteria provided, single submitter. Criteria: Athena Diagnostics Criteria. Collection method: clinical testing. Allele origin: unknown.
Comment: The frequency of this variant in the general population is higher than would generally be expected for pathogenic variants in this gene.

Mayo Clinic Laboratories, Mayo Clinic
Classification: Benign. Last evaluated: 2021-02-10. Review status: criteria provided, single submitter. Criteria: ACMG Guidelines, 2015. Collection method: clinical testing. Allele origin: germline. Observed: 31 variant alleles.

Illumina Laboratory Services, Illumina
Classification: Benign for Paramyotonia congenita of Von Eulenburg. Last evaluated: 2018-01-13. Review status: criteria provided, single submitter. Criteria: ICSL Variant Classification Criteria 13 December 2019. Collection method: clinical testing. Allele origin: germline.
Comment: This variant was observed in the ICSL laboratory as part of a predisposition screen in an ostensibly healthy population. It had not been previously curated by ICSL or reported in the Human Gene Mutation Database (HGMD: prior to June 1st, 2018), and was therefore a candidate for classification through an automated scoring system. Utilizing variant allele frequency, disease prevalence and penetrance estimates, and inheritance mode, an automated score was calculated to assess if this variant is too frequent to cause the disease. Based on the score and internal cut-off values, a variant classified as benign is not then subjected to further curation. The score for this variant resulted in a classification of benign for this disease.

Illumina Laboratory Services, Illumina
Classification: Benign for Hypokalemic periodic paralysis, type 2. Last evaluated: 2018-01-13. Review status: criteria provided, single submitter. Criteria: ICSL Variant Classification Criteria 13 December 2019. Collection method: clinical testing. Allele origin: germline.
Comment: the same text as in the submission from Illumina Laboratory Services, Illumina above.

Illumina Laboratory Services, Illumina
Classification: Benign for Congenital myasthenic syndrome 16. Last evaluated: 2018-01-13. Review status: criteria provided, single submitter. Criteria: ICSL Variant Classification Criteria 13 December 2019. Collection method: clinical testing. Allele origin: germline.
Comment: the same text as in the submission from Illumina Laboratory Services, Illumina above.

Illumina Laboratory Services, Illumina
Classification: Benign for Hyperkalemic periodic paralysis. Last evaluated: 2018-01-13. Review status: criteria provided, single submitter. Criteria: ICSL Variant Classification Criteria 13 December 2019. Collection method: clinical testing. Allele origin: germline.
Comment: the same text as in the submission from Illumina Laboratory Services, Illumina above.

Illumina Laboratory Services, Illumina
Classification: Benign for Potassium-aggravated myotonia. Last evaluated: 2018-01-13. Review status: criteria provided, single submitter. Criteria: ICSL Variant Classification Criteria 13 December 2019. Collection method: clinical testing. Allele origin: germline.
Comment: the same text as in the submission from Illumina Laboratory Services, Illumina above.

GeneDx
Classification: Benign. Last evaluated: 2016-03-01. Review status: criteria provided, single submitter. Criteria: GeneDx Variant Classification (06012015). Collection method: clinical testing. Allele origin: germline. Affected: yes.
Comment: This variant is considered likely benign or benign based on one or more of the following criteria: it is a conservative change, it occurs at a poorly conserved position in the protein, it is predicted to be benign by multiple in silico algorithms, and/or has population frequency not consistent with disease.

Breakthrough Genomics
Classification: Benign. Review status: criteria provided, single submitter. Criteria: ACMG Guidelines, 2015. Collection method: not provided. Allele origin: germline. Inheritance: Autosomal recessive inheritance. Affected: yes.

PreventionGenetics, part of Exact Sciences
Classification: Benign. Review status: criteria provided, single submitter. Criteria: ACMG Guidelines, 2015. Collection method: clinical testing. Allele origin: germline.

Genetic Services Laboratory, University of Chicago
Classification: Likely benign for AllHighlyPenetrant. Review status: no assertion criteria provided. Collection method: clinical testing. Allele origin: germline. Inheritance: Autosomal recessive inheritance. Not counted in ClinVar's aggregate classification.
Comment: Likely benign based on allele frequency in 1000 Genomes Project or ESP global frequency and its presence in a patient with a rare or unrelated disease phenotype. NOT Sanger confirmed.

NM_000334.4(SCN4A):c.2289C>T (p.Ile763=)

Genes: GH-LCR (growth hormone locus control region; plus strand), SCN4A (sodium voltage-gated channel alpha subunit 4; minus strand). Cytogenetic location: 17q23.3.
Variant type: single nucleotide variant.
Coding change: c.2289C>T on transcript NM_000334.4 (MANE Select); coding-DNA position 2289, C replaced by T.
Protein change: p.Ile763=; no amino-acid change (isoleucine 763 retained).
Molecular consequence: synonymous variant.
Genome position (GRCh38, 1-based): chr17:63,957,249, G>A on the plus strand (C>T on the coding strand, the complement: SCN4A is on the minus strand). VCF-style: chr17-63957249-G-A. GRCh37 (hg19) VCF-style: chr17-62034609-G-A.
Other names: p.Ile763=.
Identifiers: ClinVar variation 130229 (VCV000130229.25), dbSNP rs76894284, ClinGen allele CA155069.